The following is an entry in ClinVar:

NM_012062.5(DNM1L):c.1591G>A (p.Asp531Asn)

Gene: DNM1L (dynamin 1 like; plus strand). Cytogenetic location: 12p11.21.
Variant type: single nucleotide variant.
Coding change: c.1591G>A on transcript NM_012062.5 (MANE Select); coding-DNA position 1591, G replaced by A.
Protein change: p.Asp531Asn; replaces aspartic acid 531 with asparagine.
Molecular consequence: missense variant.
Genome position (GRCh38, 1-based): chr12:32,737,156, G>A. VCF-style: chr12-32737156-G-A. GRCh37 (hg19) VCF-style: chr12-32890090-G-A.
Other names: c.1591G>A, p.Asp531Asn (NM_001278463.2, NM_005690.5, NM_012063.4); c.1630G>A, p.Asp544Asn (NM_001278464.2, NM_001278465.2, NM_001330380.2); c.982G>A, p.Asp328Asn (NM_001278466.2); short protein forms D544N, D531N, D328N.
Identifiers: ClinVar variation 3666405 (VCV003666405.2).
Genomic context (GRCh38, chr12:32,737,156, plus strand): 5'-GTTTCTTAGGAACAAAGGAGAAACAGGCTAGCCAGAGAATTACCTTCAGCTGTATCACGA[G>A]ACAAGGTAAAAAAATGTTTTTAATGCATATTCCCAATACCTAAAGATAGATTGATGAGCT-3'
Protein context (NP_036192.2, residues 521-541): ARELPSAVSR[Asp531Asn]KSSKVPSALA

ClinVar aggregate classification (germline): Uncertain significance (1 of 4 stars; one submission).

gnomAD v4.1: 5 of 1,613,616 alleles (0.00031%); highest among the groups gnomAD compares: East Asian, 0.011%; no homozygotes.

Submission:

Labcorp Genetics (formerly Invitae), Labcorp
Classification: Uncertain significance. Last evaluated: 2024-08-07. Review status: criteria provided, single submitter. Criteria: Invitae Variant Classification Sherloc (09022015). Collection method: clinical testing. Allele origin: germline.
Comment: This sequence change replaces aspartic acid, which is acidic and polar, with asparagine, which is neutral and polar, at codon 531 of the DNM1L protein (p.Asp531Asn). This variant is present in population databases (rs773474698, gnomAD 0.006%). This variant has not been reported in the literature in individuals affected with DNM1L-related conditions. An algorithm developed to predict the effect of missense changes on protein structure and function (PolyPhen-2) suggests that this variant is likely to be tolerated. In summary, the available evidence is currently insufficient to determine the role of this variant in disease. Therefore, it has been classified as a Variant of Uncertain Significance.